The following is an entry in ClinVar:

NM_001330588.2(TPP2):c.326A>G (p.Lys109Arg)

Gene: TPP2 (tripeptidyl peptidase 2; plus strand). Cytogenetic location: 13q33.1.
Variant type: single nucleotide variant.
Coding change: c.326A>G on transcript NM_001330588.2 (MANE Select); coding-DNA position 326, A replaced by G.
Protein change: p.Lys109Arg; replaces lysine 109 with arginine.
Molecular consequence: missense variant. On other transcripts: non-coding transcript variant (1).
Genome position (GRCh38, 1-based): chr13:102,614,132, A>G. VCF-style: chr13-102614132-A-G. GRCh37 (hg19) VCF-style: chr13-103266482-A-G.
Other names: c.326A>G, p.Lys109Arg (NM_001367947.1, NM_003291.4); short protein forms K109R.
Identifiers: ClinVar variation 1005297 (VCV001005297.8), dbSNP rs1880535184, ClinGen allele CA388472231.

ClinVar aggregate classification (germline): Uncertain significance (1 of 4 stars; one submission).

Conditions:
Evans syndrome, immunodeficiency, and premature immunosenescence associated with tripeptidyl-peptidase II deficiency. Identifiers: MedGen CN231723. Disease mechanism: loss of function.

gnomAD v4.1: 1 of 1,613,622 alleles (0.000062%); highest among the groups gnomAD compares: African/African-American, 0.0013%; no homozygotes.

Submission:

Labcorp Genetics (formerly Invitae), Labcorp
Classification: Uncertain significance for Evans syndrome, immunodeficiency, and premature immunosenescence associated with tripeptidyl-peptidase II deficiency. Last evaluated: 2024-10-27. Review status: criteria provided, single submitter. Criteria: Invitae Variant Classification Sherloc (09022015). Collection method: clinical testing. Allele origin: germline.
Comment: This sequence change replaces lysine, which is basic and polar, with arginine, which is basic and polar, at codon 109 of the TPP2 protein (p.Lys109Arg). This variant is not present in population databases (gnomAD no frequency). This variant has not been reported in the literature in individuals affected with TPP2-related conditions. ClinVar contains an entry for this variant (Variation ID: 1005297). An algorithm developed to predict the effect of missense changes on protein structure and function outputs the following: PolyPhen-2: "Benign". The arginine amino acid residue is found in multiple mammalian species, which suggests that this missense change does not adversely affect protein function. In summary, the available evidence is currently insufficient to determine the role of this variant in disease. Therefore, it has been classified as a Variant of Uncertain Significance.